The following is an entry in ClinVar:

ClinVar aggregate classification (germline): Uncertain significance (1 of 4 stars; one submission).

Conditions:
Hereditary cancer-predisposing syndrome. Also called: Hereditary Cancer Syndrome; Neoplastic Syndromes, Hereditary; Hereditary neoplastic syndrome; Tumor predisposition. Identifiers: Orphanet 140162, MedGen C0027672, MeSH D009386, MONDO:0015356.

Submission:

Ambry Genetics
Classification: Uncertain significance for Hereditary cancer-predisposing syndrome. Last evaluated: 2014-04-07. Review status: criteria provided, single submitter. Criteria: Ambry Autosomal Dominant and X-Linked criteria (10/2015). Collection method: clinical testing. Allele origin: germline. Observed: 1 variant allele.
Comment: Ã¢â‚¬â€¹The c.1080_1082delTAC variant (also known as p.T360del) is located in coding exon 9 of the NBN gene. This variant results from an in-frame deletion of 3 nucleotides at positions 1080 to 1082. This results in the deletion of a well-conserved threonine residue at codon 360. This variant was not reported in population-based cohorts in the following databases: Database of Single Nucleotide Polymorphisms (dbSNP), NHLBI Exome Sequencing Project (ESP) and 1000 Genomes Project. To date, this alteration has been detected with an allele frequency of approximately 0.006% (greater than 15000 alleles tested) in our clinical cohort (includes this individual). Since supporting evidence is limited at this time, the clinical significance of c.1080_1082delTAC remains unclear.

NM_002485.5(NBN):c.1080_1082del (p.Thr362del)

Gene: NBN (nibrin; minus strand). Cytogenetic location: 8q21.3.
Variant type: Deletion.
Coding change: c.1080_1082del on transcript NM_002485.5 (MANE Select); coding-DNA positions 1080 to 1082, 3 bases deleted (TAC; older notation c.1080_1082delTAC).
Protein change: p.Thr362del; deletes threonine 362.
Molecular consequence: inframe deletion.
Genome position (GRCh38, 1-based): chr8:89,958,767-89,958,769, GTA deleted on the plus strand (TAC on the coding strand, the reverse complement: NBN is on the minus strand); deleting any 3 consecutive bases within chr8:89,958,767-89,958,771 gives the same sequence; the c. name uses the placement nearest the transcript's 3' end. VCF-style (leftmost placement, unchanged base first): chr8-89958766-TGTA-T. GRCh37 (hg19) VCF-style: chr8-90970994-TGTA-T.
Other names: c.834_836del, p.Thr280del (NM_001024688.3); c.1080_1082delTAC (NM_002485.4); short protein forms T362del, T280del.
Identifiers: ClinVar variation 142821 (VCV000142821.3), dbSNP rs587782745, ClinGen allele CA169493.